The following is an entry in ClinVar:

ClinVar aggregate classification (germline): Uncertain significance. Review status: criteria provided, multiple submitters, no conflicts (2 of 4 stars). 4 submissions from 4 submitters: Uncertain significance (4). Last evaluated 2024-12-02.

gnomAD v4.1: 2 of 1,612,502 alleles (0.00012%); no homozygotes.

Submissions (4):

Labcorp Genetics (formerly Invitae), Labcorp
Classification: Uncertain significance. Last evaluated: 2024-12-02. Review status: criteria provided, single submitter. Criteria: Invitae Variant Classification Sherloc (09022015). Collection method: clinical testing. Allele origin: germline.
Comment: This sequence change falls in intron 47 of the CDH23 gene. It does not directly change the encoded amino acid sequence of the CDH23 protein. It affects a nucleotide within the consensus splice site. This variant is not present in population databases (gnomAD no frequency). This variant has not been reported in the literature in individuals affected with CDH23-related conditions. ClinVar contains an entry for this variant (Variation ID: 517327). Variants that disrupt the consensus splice site are a relatively common cause of aberrant splicing (PMID: 17576681, 9536098). Algorithms developed to predict the effect of sequence changes on RNA splicing suggest that this variant may disrupt the consensus splice site. In summary, the available evidence is currently insufficient to determine the role of this variant in disease. Therefore, it has been classified as a Variant of Uncertain Significance.

Women's Health and Genetics/Laboratory Corporation of America, LabCorp
Classification: Uncertain significance. Last evaluated: 2024-07-08. Review status: criteria provided, single submitter. Criteria: LabCorp Variant Classification Summary - May 2015. Collection method: clinical testing. Allele origin: germline.

GeneDx
Classification: Uncertain significance. Last evaluated: 2020-01-16. Review status: criteria provided, single submitter. Criteria: GeneDx Variant Classification Process June 2021. Collection method: clinical testing. Allele origin: germline. Affected: yes.
Comment: In silico analysis, which includes splice predictors and evolutionary conservation, suggests this variant may impact gene splicing; In the absence of RNA/functional studies, the actual effect of this sequence change is unknown; Not observed in large population cohorts (Lek et al., 2016); Has not been previously published as pathogenic or benign to our knowledge

Laboratory for Molecular Medicine, Mass General Brigham Personalized Medicine
Classification: Uncertain significance. Last evaluated: 2017-04-25. Review status: criteria provided, single submitter. Criteria: LMM Criteria. Collection method: clinical testing. Allele origin: germline. Observed: 1 variant allele.
Comment: The c.6253+4A>G variant in CDH23 has not been previously reported in individuals with hearing loss or Usher syndrome, and it was absent from large population st udies. This variant is located in the 5' splice region. Computational tools sugg est a possible impact to splicing. However, this information is not predictive e nough to rule out pathogenicity. In summary, the clinical significance of the c. 6253+4A>G variant is uncertain.

Literature cited by the submitters: PubMed 17576681 (cited by Labcorp Genetics (formerly Invitae), Labcorp); PubMed 9536098 (cited by Labcorp Genetics (formerly Invitae), Labcorp).

NM_022124.6(CDH23):c.6253+4A>G

Gene: CDH23 (cadherin related 23; plus strand). Cytogenetic location: 10q22.1.
Variant type: single nucleotide variant.
Coding change: c.6253+4A>G on transcript NM_022124.6 (MANE Select); 4 bases into the intron after coding-DNA position 6253, A replaced by G.
Molecular consequence: intron variant.
Genome position (GRCh38, 1-based): chr10:71,791,339, A>G. VCF-style: chr10-71791339-A-G. GRCh37 (hg19) VCF-style: chr10-73551096-A-G.
Identifiers: ClinVar variation 517327 (VCV000517327.12), dbSNP rs1554874375, ClinGen allele CA658797440.
Genomic context (GRCh38, chr10:71,791,339, plus strand): 5'-GGCCCACCTTTAGCCCTGCCACCCTCACTGTCCATCTGCTAGAGAACTGCCCGCCTGGTA[A>G]GCAGGGGACAGGCCCCAGCACCCCACAACCAGGGGCCGGTTGGTGGTCACAGGGGACTGG-3'